The following is an entry in ClinVar:

NM_006231.4(POLE):c.578+2T>A

Gene: POLE (DNA polymerase epsilon, catalytic subunit; minus strand). Cytogenetic location: 12q24.33.
Variant type: single nucleotide variant.
Coding change: c.578+2T>A on transcript NM_006231.4 (MANE Select); the canonical splice donor site of the intron after coding-DNA position 578, T replaced by A.
Molecular consequence: splice donor variant.
Genome position (GRCh38, 1-based): chr12:132,679,495, A>T on the plus strand (T>A on the coding strand, the complement: POLE is on the minus strand). VCF-style: chr12-132679495-A-T. GRCh37 (hg19) VCF-style: chr12-133256081-A-T.
Identifiers: ClinVar variation 2826224 (VCV002826224.3), dbSNP rs2542187872, ClinGen allele CA387366567.

ClinVar aggregate classification (germline): Likely pathogenic (1 of 4 stars; one submission).

Submission:

Labcorp Genetics (formerly Invitae), Labcorp
Classification: Likely pathogenic. Last evaluated: 2023-01-05. Review status: criteria provided, single submitter. Criteria: Invitae Variant Classification Sherloc (09022015). Collection method: clinical testing. Allele origin: germline.
Comment: In summary, the currently available evidence indicates that the variant is pathogenic, but additional data are needed to prove that conclusively. Therefore, this variant has been classified as Likely Pathogenic. Algorithms developed to predict the effect of sequence changes on RNA splicing suggest that this variant may disrupt the consensus splice site. This variant has not been reported in the literature in individuals affected with POLE-related conditions. This variant is not present in population databases (gnomAD no frequency). This sequence change affects a donor splice site in intron 6 of the POLE gene. It is expected to disrupt RNA splicing. Variants that disrupt the donor or acceptor splice site typically lead to a loss of protein function (PMID: 16199547), and loss-of-function variants in POLE are known to be pathogenic (PMID: 23230001, 25948378, 30503519).

Literature cited by the submitters: PubMed 16199547; PubMed 23230001; PubMed 25948378; PubMed 30503519.